The following is an entry in ClinVar:

NM_007294.4(BRCA1):c.1391C>T (p.Thr464Ile)

Gene: BRCA1 (BRCA1 DNA repair associated; minus strand). Cytogenetic location: 17q21.31.
Variant type: single nucleotide variant.
Coding change: c.1391C>T on transcript NM_007294.4 (MANE Select); coding-DNA position 1391, C replaced by T.
Protein change: p.Thr464Ile; replaces threonine 464 with isoleucine.
Molecular consequence: missense variant. On other transcripts: intron variant (137).
Genome position (GRCh38, 1-based): chr17:43,094,140, G>A on the plus strand (C>T on the coding strand, the complement: BRCA1 is on the minus strand). VCF-style: chr17-43094140-G-A. GRCh37 (hg19) VCF-style: chr17-41246157-G-A.
Other names: c.1178C>T, p.Thr393Ile (NM_001407571.1, NM_001407853.1, NM_001407894.1 and 9 more transcripts); c.1391C>T, p.Thr464Ile (NM_001407581.1, NM_001407582.1, NM_001407583.1 and 30 more transcripts); c.1388C>T, p.Thr463Ile (NM_001407587.1, NM_001407590.1, NM_001407591.1 and 22 more transcripts); c.1382C>T, p.Thr461Ile (NM_001407646.1, NM_001407647.1); c.1268C>T, p.Thr423Ile (NM_001407648.1, NM_001407664.1, NM_001407665.1 and 19 more transcripts); c.1265C>T, p.Thr422Ile (NM_001407649.1, NM_001407670.1, NM_001407671.1 and 11 more transcripts); c.1313C>T, p.Thr438Ile (NM_001407653.1, NM_001407654.1, NM_001407655.1 and 4 more transcripts); c.1310C>T, p.Thr437Ile (NM_001407659.1, NM_001407660.1, NM_001407661.1 and 1 more transcripts); and 40 more; short protein forms T464I, T417I, T337I, T352I, T393I, T423I, T437I, T438I.
Identifiers: ClinVar variation 54237 (VCV000054237.26), dbSNP rs62625301, ClinGen allele CA000932.
Genomic context (GRCh38, chr17:43,094,140, plus strand): 5'-CCTATAATTAGATTTTCAGTTACATGGCTTAAGTTGGGGAGGCTTGCCTTCTTCCGATAG[G>A]TTTTCCCAAATATTTTGTCTTCAATATTACTCTCTACTGATTTGGAGTGAACTCTTTCAC-3'
Protein context (NP_009225.1, residues 454-474): SNIEDKIFGK[Thr464Ile]YRKKASLPNL

ClinVar aggregate classification (germline): Conflicting classifications of pathogenicity. Review status: criteria provided, conflicting classifications (1 of 4 stars). 7 submissions from 7 submitters: Uncertain significance (4); Likely benign (2). 1 of the submissions does not count toward it. Last evaluated 2025-11-17.

Conditions:
Hereditary cancer-predisposing syndrome. Also called: Tumor predisposition; Neoplastic Syndromes, Hereditary; Hereditary Cancer Syndrome; Hereditary neoplastic syndrome. Identifiers: Orphanet 140162, MedGen C0027672, MeSH D009386, MONDO:0015356.
Hereditary breast ovarian cancer syndrome. Also called: Hereditary breast and ovarian cancer syndrome (HBOC); Hereditary breast and ovarian cancer syndrome; Hereditary breast and ovarian cancer; Hereditary breast and/or ovarian cancer syndrome; Breast and ovarian cancer; BRCA1- and BRCA2-Associated Hereditary Breast and Ovarian Cancer. Identifiers: Orphanet 145, MedGen C0677776, MeSH D061325, MONDO:0003582. Disease mechanism: loss of function.
Breast-ovarian cancer, familial, susceptibility to, 1 (BROVCA1). Also called: OVARIAN CANCER, SUSCEPTIBILITY TO; BRCA1 Hereditary Breast and Ovarian Cancer. Identifiers: Orphanet 145, MedGen C2676676, MONDO:0011450, OMIM 604370. Disease mechanism: loss of function.

Allele frequency attached by ClinVar (database versions not stated): ExAC 0.00001; gnomAD exomes below 0.00001.
gnomAD v4.1: 6 of 1,613,968 alleles (0.00037%); highest among the groups gnomAD compares: Non-Finnish European, 0.00051%; no homozygotes.

Submissions (7):

Labcorp Genetics (formerly Invitae), Labcorp
Classification: Uncertain significance for Hereditary breast ovarian cancer syndrome. Last evaluated: 2025-11-17. Review status: criteria provided, single submitter. Criteria: Invitae Variant Classification Sherloc (09022015). Collection method: clinical testing. Allele origin: germline.
Comment: This sequence change replaces threonine, which is neutral and polar, with isoleucine, which is neutral and non-polar, at codon 464 of the BRCA1 protein (p.Thr464Ile). This variant is present in population databases (rs62625301, gnomAD 0.0009%). This missense change has been observed in individual(s) with clinical features of BRCA1-related conditions (PMID: 10923033). ClinVar contains an entry for this variant (Variation ID: 54237). Invitae Evidence Modeling of protein sequence and biophysical properties (such as structural, functional, and spatial information, amino acid conservation, physicochemical variation, residue mobility, and thermodynamic stability) indicates that this missense variant is expected to disrupt BRCA1 protein function with a positive predictive value of 80%. In summary, the available evidence is currently insufficient to determine the role of this variant in disease. Therefore, it has been classified as a Variant of Uncertain Significance.

Ambry Genetics
Classification: Uncertain significance for Hereditary cancer-predisposing syndrome. Last evaluated: 2025-05-24. Review status: criteria provided, single submitter. Criteria: Ambry Variant Classification Scheme 2023. Collection method: clinical testing. Allele origin: germline.
Comment: The p.T464I variant (also known as c.1391C>T), located in coding exon 9 of the BRCA1 gene, results from a C to T substitution at nucleotide position 1391. The threonine at codon 464 is replaced by isoleucine, an amino acid with similar properties. This amino acid position is well conserved in available vertebrate species. In addition, this alteration is predicted to be deleterious by in silico analysis. Since supporting evidence is limited at this time, the clinical significance of this alteration remains unclear.

German Consortium for Hereditary Breast and Ovarian Cancer, University Hospital Cologne
Classification: Likely benign for Hereditary breast ovarian cancer syndrome. Last evaluated: 2024-08-13. Review status: criteria provided, single submitter. Criteria: ClinGen BRCA1 V1.1.0. Collection method: curation. Allele origin: germline.
Comment: According to the ClinGen ENIGMA BRCA1 v1.1.0 criteria we chose this criterion: BP1 (strong benign): silent substitution, missense or in-frame insertion, deletion or delins variants outside a (potentially) clinically important functional domain AND no splicing predicted (SpliceAI <=0.1).

All of Us Research Program, National Institutes of Health
Classification: Uncertain significance for Breast-ovarian cancer, familial, susceptibility to, 1. Last evaluated: 2023-12-18. Review status: criteria provided, single submitter. Criteria: ACMG Guidelines, 2015. Collection method: clinical testing. Allele origin: germline. Inheritance: Autosomal dominant inheritance. Observed: 3 variant alleles, 3 heterozygotes.
Comment: This missense variant replaces threonine with isoleucine at codon 464 of the BRCA1 protein. Computational prediction suggests that this variant may have deleterious impact on protein structure and function (internally defined REVEL score threshold >= 0.7, PMID: 27666373). Splice site prediction tools suggest that this variant may not impact RNA splicing. To our knowledge, functional studies have not been performed for this variant. This variant has not been reported in individuals affected with hereditary cancer in the literature. This variant has been identified in 1/251096 chromosomes in the general population by the Genome Aggregation Database (gnomAD). The available evidence is insufficient to determine the role of this variant in disease conclusively. Therefore, this variant is classified as a Variant of Uncertain Significance.

This study involves interpretation of variants in research participants for the purpose of population health screening. Participant phenotype was not available at the time of variant classification. Additional details can be found in publication PMID: 35346344, PMCID: PMC8962531

Color Diagnostics, LLC DBA Color Health
Classification: Uncertain significance for Hereditary cancer-predisposing syndrome. Last evaluated: 2023-11-29. Review status: criteria provided, single submitter. Criteria: ACMG Guidelines, 2015. Collection method: clinical testing. Allele origin: germline.
Comment: This missense variant replaces threonine with isoleucine at codon 464 of the BRCA1 protein. Computational prediction suggests that this variant may have deleterious impact on protein structure and function. To our knowledge, functional studies have not been reported for this variant. This variant has not been reported in individuals affected with BRCA1-related disorders in the literature. This variant has been identified in 1/251096 chromosomes in the general population by the Genome Aggregation Database (gnomAD). The available evidence is insufficient to determine the role of this variant in disease conclusively. Therefore, this variant is classified as a Variant of Uncertain Significance.

University of Washington Department of Laboratory Medicine, University of Washington
Classification: Likely benign for Hereditary cancer-predisposing syndrome. Last evaluated: 2023-03-23. Review status: criteria provided, single submitter. Criteria: Dines et al. (Genet Med. 2020). Collection method: curation. Allele origin: germline.
Comment: Missense variant in a coldspot region where missense variants are very unlikely to be pathogenic (PMID:31911673).

BRCA1 coldspot (exon 11 using historical exon numbering). Reclassification based on statistical prior probability

Breast Cancer Information Core (BIC) (BRCA1)
Classification: Uncertain significance for Breast-ovarian cancer, familial 1. Last evaluated: 2010-12-17. Review status: no assertion criteria provided. Collection method: clinical testing. Allele origin: germline. Affected: yes. Observed: 1 variant allele. Not counted in ClinVar's aggregate classification.

Literature cited by the submitters: PubMed 10923033 (cited by Labcorp Genetics (formerly Invitae), Labcorp).